The following is an entry in ClinVar:

NM_015338.6(ASXL1):c.2792A>G (p.Glu931Gly)

Gene: ASXL1 (ASXL transcriptional regulator 1; plus strand). Cytogenetic location: 20q11.21.
Variant type: single nucleotide variant.
Coding change: c.2792A>G on transcript NM_015338.6 (MANE Select); coding-DNA position 2792, A replaced by G.
Protein change: p.Glu931Gly; replaces glutamic acid 931 with glycine.
Molecular consequence: missense variant.
Genome position (GRCh38, 1-based): chr20:32,435,504, A>G. VCF-style: chr20-32435504-A-G. GRCh37 (hg19) VCF-style: chr20-31023307-A-G.
Other names: c.2609A>G, p.Glu870Gly (NM_001363734.1); short protein forms E870G, E931G.
Identifiers: ClinVar variation 2504249 (VCV002504249.2), dbSNP rs2515571467, ClinGen allele CA408561281.
Genomic context (GRCh38, chr20:32,435,504, plus strand): 5'-CCAAACCAGAATCCAGAGAACACATACCATCTGTTGAGCCCCAGGTTGGAGAGGAGTGGG[A>G]GAAAGCTGCTCCCACCCCTCCTGCATTGCCTGGGGATTTGACAGCTGAGGAGGGTCTAGA-3'
Protein context (NP_056153.2, residues 921-941): SVEPQVGEEW[Glu931Gly]KAAPTPPALP

ClinVar aggregate classification (germline): Uncertain significance. Review status: criteria provided, multiple submitters, no conflicts (2 of 4 stars). 2 submissions from 2 submitters: Uncertain significance (2). Last evaluated 2024-11-24.

Conditions:
Inborn genetic diseases. Identifiers: MedGen C0950123, MeSH D030342.

Submissions (2):

Ambry Genetics
Classification: Uncertain significance for Inborn genetic diseases. Last evaluated: 2024-11-24. Review status: criteria provided, single submitter. Criteria: Ambry Variant Classification Scheme 2023. Collection method: clinical testing. Allele origin: germline.
Comment: The p.E931G variant (also known as c.2792A>G), located in coding exon 13 of the ASXL1 gene, results from an A to G substitution at nucleotide position 2792. The glutamic acid at codon 931 is replaced by glycine, an amino acid with similar properties. This amino acid position is conserved. In addition, this alteration is predicted to be tolerated by in silico analysis. Based on the available evidence, the clinical significance of this variant remains unclear.

GeneDx
Classification: Uncertain significance. Last evaluated: 2022-11-29. Review status: criteria provided, single submitter. Criteria: GeneDx Variant Classification Process June 2021. Collection method: clinical testing. Allele origin: germline. Affected: yes.
Comment: Not observed at significant frequency in large population cohorts (gnomAD); In silico analysis supports that this missense variant does not alter protein structure/function; Has not been previously published as pathogenic or benign to our knowledge